The following is an entry in ClinVar:

ClinVar aggregate classification (germline): Conflicting classifications of pathogenicity. Review status: criteria provided, conflicting classifications (1 of 4 stars). 2 submissions from 2 submitters: Likely pathogenic (1); Uncertain significance (1). Last evaluated 2025-04-29.

Submissions (2):

Labcorp Genetics (formerly Invitae), Labcorp
Classification: Uncertain significance. Last evaluated: 2025-04-29. Review status: criteria provided, single submitter. Criteria: Invitae Variant Classification Sherloc (09022015). Collection method: clinical testing. Allele origin: germline.
Comment: This sequence change replaces histidine, which is basic and polar, with tyrosine, which is neutral and polar, at codon 315 of the DDX41 protein (p.His315Tyr). This variant is not present in population databases (gnomAD no frequency). This variant has not been reported in the literature in individuals affected with DDX41-related conditions. ClinVar contains an entry for this variant (Variation ID: 3366277). An algorithm developed to predict the effect of missense changes on protein structure and function (PolyPhen-2) suggests that this variant is likely to be disruptive. In summary, the available evidence is currently insufficient to determine the role of this variant in disease. Therefore, it has been classified as a Variant of Uncertain Significance.

GeneDx
Classification: Likely pathogenic. Last evaluated: 2023-10-23. Review status: criteria provided, single submitter. Criteria: GeneDx Variant Classification Process June 2021. Collection method: clinical testing. Allele origin: germline. Affected: yes.
Comment: Not observed at significant frequency in large population cohorts (gnomAD); In silico analysis supports that this missense variant has a deleterious effect on protein structure/function; Has not been previously published as pathogenic or benign to our knowledge; This variant is associated with the following publications: (PMID: 27721487)

NM_016222.4(DDX41):c.943C>T (p.His315Tyr)

Gene: DDX41 (DEAD-box helicase 41; minus strand). Cytogenetic location: 5q35.3.
Variant type: single nucleotide variant.
Coding change: c.943C>T on transcript NM_016222.4 (MANE Select); coding-DNA position 943, C replaced by T.
Protein change: p.His315Tyr; replaces histidine 315 with tyrosine.
Molecular consequence: missense variant.
Genome position (GRCh38, 1-based): chr5:177,513,840, G>A on the plus strand (C>T on the coding strand, the complement: DDX41 is on the minus strand). VCF-style: chr5-177513840-G-A. GRCh37 (hg19) VCF-style: chr5-176940841-G-A.
Other names: c.565C>T, p.His189Tyr (NM_001321732.2, NM_001321830.2); short protein forms H189Y, H315Y.
Identifiers: ClinVar variation 3366277 (VCV003366277.2).